The following is an entry in ClinVar:

NM_002907.4(RECQL):c.1748C>T (p.Ala583Val)

Genes: PYROXD1 (pyridine nucleotide-disulphide oxidoreductase domain 1; plus strand), RECQL (RecQ like helicase; minus strand). Cytogenetic location: 12p12.1.
Variant type: single nucleotide variant.
Coding change: c.1748C>T on transcript NM_002907.4 (MANE Select); coding-DNA position 1748, C replaced by T.
Protein change: p.Ala583Val; replaces alanine 583 with valine.
Molecular consequence: missense variant. On other transcripts: 3 prime UTR variant (3).
Genome position (GRCh38, 1-based): chr12:21,471,018, G>A on the plus strand (C>T on the coding strand, the complement: RECQL is on the minus strand). VCF-style: chr12-21471018-G-A. GRCh37 (hg19) VCF-style: chr12-21623952-G-A.
Other names: c.1748C>T, p.Ala583Val (NM_032941.3); c.*2264G>A (NM_001350912.2, NM_001350913.2, NM_024854.5); short protein forms A583V.
Identifiers: ClinVar variation 1424038 (VCV001424038.7), dbSNP rs1287087343, ClinGen allele CA384114501.

ClinVar aggregate classification (germline): Uncertain significance. Review status: criteria provided, multiple submitters, no conflicts (2 of 4 stars). 2 submissions from 2 submitters: Uncertain significance (2). Last evaluated 2023-11-16.

Submissions (2):

Ambry Genetics
Classification: Uncertain significance. Last evaluated: 2023-11-16. Review status: criteria provided, single submitter. Criteria: Ambry Variant Classification Scheme 2023. Collection method: clinical testing. Allele origin: germline.
Comment: The p.A583V variant (also known as c.1748C>T), located in coding exon 13 of the RECQL gene, results from a C to T substitution at nucleotide position 1748. The alanine at codon 583 is replaced by valine, an amino acid with similar properties. This amino acid position is not well conserved in available vertebrate species. In addition, this alteration is predicted to be tolerated by in silico analysis. The evidence for this gene-disease relationship is limited; therefore, the clinical significance of this alteration is unclear.

Labcorp Genetics (formerly Invitae), Labcorp
Classification: Uncertain significance. Last evaluated: 2022-09-07. Review status: criteria provided, single submitter. Criteria: Invitae Variant Classification Sherloc (09022015). Collection method: clinical testing. Allele origin: germline.
Comment: Algorithms developed to predict the effect of missense changes on protein structure and function (SIFT, PolyPhen-2, Align-GVGD) all suggest that this variant is likely to be tolerated. Algorithms developed to predict the effect of sequence changes on RNA splicing suggest that this variant may create or strengthen a splice site. In summary, the available evidence is currently insufficient to determine the role of this variant in disease. Therefore, it has been classified as a Variant of Uncertain Significance. ClinVar contains an entry for this variant (Variation ID: 1424038). This sequence change replaces alanine, which is neutral and non-polar, with valine, which is neutral and non-polar, at codon 583 of the RECQL protein (p.Ala583Val). This variant is not present in population databases (gnomAD no frequency). This variant has not been reported in the literature in individuals affected with RECQL-related conditions.